The following is an entry in ClinVar:

NM_005157.6(ABL1):c.877A>T (p.Ile293Phe)

Gene: ABL1 (ABL proto-oncogene 1, non-receptor tyrosine kinase; plus strand). Cytogenetic location: 9q34.12.
Variant type: single nucleotide variant.
Coding change: c.877A>T on transcript NM_005157.6 (MANE Select); coding-DNA position 877, A replaced by T.
Protein change: p.Ile293Phe; replaces isoleucine 293 with phenylalanine.
Molecular consequence: missense variant.
Genome position (GRCh38, 1-based): chr9:130,872,183, A>T. VCF-style: chr9-130872183-A-T. GRCh37 (hg19) VCF-style: chr9-133747570-A-T.
Other names: c.934A>T, p.Ile312Phe (NM_007313.3); short protein forms I293F, I312F.
Identifiers: ClinVar variation 3392964 (VCV003392964.1).

ClinVar aggregate classification (germline): Uncertain significance (1 of 4 stars; one submission).

Submission:

GeneDx
Classification: Uncertain significance. Last evaluated: 2024-06-27. Review status: criteria provided, single submitter. Criteria: GeneDx Variant Classification Process June 2021. Collection method: clinical testing. Allele origin: germline. Affected: yes.
Comment: Not observed at significant frequency in large population cohorts (gnomAD); In silico analysis supports that this missense variant has a deleterious effect on protein structure/function; Has not been previously published as pathogenic or benign to our knowledge